The following is an entry in ClinVar:

ClinVar aggregate classification (germline): Uncertain significance (1 of 4 stars; one submission).

Conditions:
Charcot-Marie-Tooth disease axonal type 2O. Also called: Charcot-Marie-Tooth disease, axonal, type 20; CHARCOT-MARIE-TOOTH NEUROPATHY, AXONAL, TYPE 2O; CHARCOT-MARIE-TOOTH DISEASE, AXONAL, AUTOSOMAL DOMINANT, TYPE 2O; Charcot-Marie-Tooth Neuropathy Type 2O. Identifiers: Orphanet 284232, MedGen C3280220, MONDO:0013644, OMIM 614228.

gnomAD v4.1: 4 of 1,613,942 alleles (0.00025%); highest among the groups gnomAD compares: Non-Finnish European, 0.00034%; no homozygotes.

Submission:

Labcorp Genetics (formerly Invitae), Labcorp
Classification: Uncertain significance for Charcot-Marie-Tooth disease axonal type 2O. Last evaluated: 2024-12-19. Review status: criteria provided, single submitter. Criteria: Invitae Variant Classification Sherloc (09022015). Collection method: clinical testing. Allele origin: germline.
Comment: This sequence change replaces threonine, which is neutral and polar, with serine, which is neutral and polar, at codon 3153 of the DYNC1H1 protein (p.Thr3153Ser). This variant is not present in population databases (gnomAD no frequency). This variant has not been reported in the literature in individuals affected with DYNC1H1-related conditions. Invitae Evidence Modeling of protein sequence and biophysical properties (such as structural, functional, and spatial information, amino acid conservation, physicochemical variation, residue mobility, and thermodynamic stability) indicates that this missense variant is not expected to disrupt DYNC1H1 protein function with a negative predictive value of 95%. In summary, the available evidence is currently insufficient to determine the role of this variant in disease. Therefore, it has been classified as a Variant of Uncertain Significance.

NM_001376.5(DYNC1H1):c.9458C>G (p.Thr3153Ser)

Genes: DYNC1H1 (dynein cytoplasmic 1 heavy chain 1; plus strand), LOC126862060 (BRD4-independent group 4 enhancer GRCh37_chr14:102493659-102494858; plus strand). Cytogenetic location: 14q32.31.
Variant type: single nucleotide variant.
Coding change: c.9458C>G on transcript NM_001376.5 (MANE Select); coding-DNA position 9458, C replaced by G.
Protein change: p.Thr3153Ser; replaces threonine 3153 with serine.
Molecular consequence: missense variant.
Genome position (GRCh38, 1-based): chr14:102,028,131, C>G. VCF-style: chr14-102028131-C-G. GRCh37 (hg19) VCF-style: chr14-102494468-C-G.
Other names: short protein forms T3153S.
Identifiers: ClinVar variation 3634278 (VCV003634278.2).